The following is an entry in ClinVar:

NM_177438.3(DICER1):c.4352G>T (p.Arg1451Ile)

Gene: DICER1 (dicer 1, ribonuclease III; minus strand). Cytogenetic location: 14q32.13.
Variant type: single nucleotide variant.
Coding change: c.4352G>T on transcript NM_177438.3 (MANE Select); coding-DNA position 4352, G replaced by T.
Protein change: p.Arg1451Ile; replaces arginine 1451 with isoleucine.
Molecular consequence: missense variant. On other transcripts: non-coding transcript variant (6).
Genome position (GRCh38, 1-based): chr14:95,096,568, C>A on the plus strand (G>T on the coding strand, the complement: DICER1 is on the minus strand). VCF-style: chr14-95096568-C-A. GRCh37 (hg19) VCF-style: chr14-95562905-C-A.
Other names: c.4352G>T, p.Arg1451Ile (NM_001195573.1, NM_001271282.3, NM_001291628.2 and 12 more transcripts); c.4070G>T, p.Arg1357Ile (NM_001395686.1); c.3947G>T, p.Arg1316Ile (NM_001395687.1, NM_001395688.1, NM_001395689.1 and 2 more transcripts); c.3785G>T, p.Arg1262Ile (NM_001395691.1); c.2669G>T, p.Arg890Ile (NM_001395697.1); short protein forms R890I, R1262I, R1316I, R1451I, R1357I.
Identifiers: ClinVar variation 3651748 (VCV003651748.2).

ClinVar aggregate classification (germline): Uncertain significance (1 of 4 stars; one submission).

Conditions:
DICER1-related tumor predisposition. Also called: DICER1 syndrome; DICER1-related pleuropulmonary blastoma cancer predisposition syndrome. Identifiers: Orphanet 284343, MedGen C3839822, MONDO:0100216.

Submission:

Labcorp Genetics (formerly Invitae), Labcorp
Classification: Uncertain significance for DICER1-related tumor predisposition. Last evaluated: 2024-05-01. Review status: criteria provided, single submitter. Criteria: Invitae Variant Classification Sherloc (09022015). Collection method: clinical testing. Allele origin: germline.
Comment: This sequence change replaces arginine, which is basic and polar, with isoleucine, which is neutral and non-polar, at codon 1451 of the DICER1 protein (p.Arg1451Ile). This variant is not present in population databases (gnomAD no frequency). This variant has not been reported in the literature in individuals affected with DICER1-related conditions. An algorithm developed to predict the effect of missense changes on protein structure and function (PolyPhen-2) suggests that this variant is likely to be disruptive. In summary, the available evidence is currently insufficient to determine the role of this variant in disease. Therefore, it has been classified as a Variant of Uncertain Significance.